The following is an entry in ClinVar:

ClinVar aggregate classification (germline): Likely benign (1 of 4 stars; one submission).

Allele frequency attached by ClinVar (database versions not stated): 1000 Genomes Project 0.00260; 1000 Genomes Project 30x 0.00281; gnomAD 0.00417; ExAC 0.00452; TOPMed 0.00465; ESP Exome Variant Server 0.00566; gnomAD exomes 0.00581.
gnomAD v4.1: 9,119 of 1,613,794 alleles (0.57%); highest among the groups gnomAD compares: Middle Eastern, 0.74%; 40 homozygotes.

Submission:

CeGaT Center for Human Genetics Tuebingen
Classification: Likely benign. Last evaluated: 2022-11-01. Review status: criteria provided, single submitter. Criteria: CeGaT Center For Human Genetics Tuebingen Variant Classification Criteria Version 2. Collection method: clinical testing. Allele origin: germline. Affected: yes. Observed: 1 variant allele.
Comment: ARMH3: BP4, BS2

NM_024541.3(ARMH3):c.1034C>T (p.Pro345Leu)

Gene: ARMH3 (armadillo like helical domain containing 3; minus strand). Cytogenetic location: 10q24.32.
Variant type: single nucleotide variant.
Coding change: c.1034C>T on transcript NM_024541.3 (MANE Select); coding-DNA position 1034, C replaced by T.
Protein change: p.Pro345Leu; replaces proline 345 with leucine.
Molecular consequence: missense variant.
Genome position (GRCh38, 1-based): chr10:102,006,554, G>A on the plus strand (C>T on the coding strand, the complement: ARMH3 is on the minus strand). VCF-style: chr10-102006554-G-A. GRCh37 (hg19) VCF-style: chr10-103766311-G-A.
Other names: short protein forms P345L.
Identifiers: ClinVar variation 2640774 (VCV002640774.24), dbSNP rs149442033, ClinGen allele CA5659338.